The following is an entry in ClinVar:

ClinVar aggregate classification (germline): Uncertain significance (0 of 4 stars; one submission).

Conditions:
TMEM132D-related disorder. Also called: TMEM132D-related condition.

Submission:

PreventionGenetics, part of Exact Sciences
Classification: Uncertain significance for TMEM132D-related condition. Last evaluated: 2024-05-29. Review status: no assertion criteria provided. Collection method: clinical testing. Allele origin: germline.
Comment: The TMEM132D c.529C>T variant is predicted to result in premature protein termination (p.Arg177*). To our knowledge, this variant has not been reported in the literature or in a large population database, indicating this variant is rare. Of note, loss of function variants in TMEM132D have not conclusively been associated with disease. At this time, the clinical significance of this variant is uncertain due to the absence of conclusive functional and genetic evidence.

NM_133448.3(TMEM132D):c.529C>T (p.Arg177Ter)

Gene: TMEM132D (transmembrane protein 132D; minus strand). Cytogenetic location: 12q24.33.
Variant type: single nucleotide variant.
Coding change: c.529C>T on transcript NM_133448.3 (MANE Select); coding-DNA position 529, C replaced by T.
Protein change: p.Arg177Ter; replaces arginine 177 with a stop codon.
Molecular consequence: nonsense.
Genome position (GRCh38, 1-based): chr12:129,700,249, G>A on the plus strand (C>T on the coding strand, the complement: TMEM132D is on the minus strand). VCF-style: chr12-129700249-G-A. GRCh37 (hg19) VCF-style: chr12-130184794-G-A.
Other names: short protein forms R177*.
Identifiers: ClinVar variation 3344731 (VCV003344731.1).